The following is an entry in ClinVar:

NM_152468.5(TMC8):c.11C>T (p.Pro4Leu)

Genes: TMC6 (transmembrane channel like 6; minus strand), TMC8 (transmembrane channel like 8; plus strand), LOC130061792 (ATAC-STARR-seq lymphoblastoid silent region 9043; plus strand). Cytogenetic location: 17q25.3.
Variant type: single nucleotide variant.
Coding change: c.11C>T on transcript NM_152468.5 (MANE Select); coding-DNA position 11, C replaced by T.
Protein change: p.Pro4Leu; replaces proline 4 with leucine.
Molecular consequence: missense variant. On other transcripts: intron variant (1).
Genome position (GRCh38, 1-based): chr17:78,131,599, C>T. VCF-style: chr17-78131599-C-T. GRCh37 (hg19) VCF-style: chr17-76127680-C-T.
Other names: c.-75+742G>A (NM_007267.7); short protein forms P4L.
Identifiers: ClinVar variation 864074 (VCV000864074.8), dbSNP rs867374058, ClinGen allele CA294359277.

ClinVar aggregate classification (germline): Uncertain significance. Review status: criteria provided, multiple submitters, no conflicts (2 of 4 stars). 2 submissions from 2 submitters: Uncertain significance (2). Last evaluated 2025-07-10.

Conditions:
Epidermodysplasia verruciformis. Identifiers: Orphanet 302, MedGen C0014522, MONDO:0009176.

Allele frequency attached by ClinVar (database versions not stated): gnomAD 0.00001; gnomAD exomes 0.00001.
gnomAD v4.1: 27 of 1,546,700 alleles (0.0017%); highest among the groups gnomAD compares: Middle Eastern, 0.041%; no homozygotes.

Submissions (2):

GeneDx
Classification: Uncertain significance. Last evaluated: 2025-07-10. Review status: criteria provided, single submitter. Criteria: GeneDx Variant Classification Process June 2021. Collection method: clinical testing. Allele origin: germline. Affected: yes.
Comment: Not observed at significant frequency in large population cohorts (gnomAD); In silico analysis indicates that this missense variant does not alter protein structure/function; Has not been previously published as pathogenic or benign to our knowledge

Labcorp Genetics (formerly Invitae), Labcorp
Classification: Uncertain significance for Epidermodysplasia verruciformis. Last evaluated: 2021-09-01. Review status: criteria provided, single submitter. Criteria: Invitae Variant Classification Sherloc (09022015). Collection method: clinical testing. Allele origin: germline.
Comment: This sequence change replaces proline with leucine at codon 4 of the TMC8 protein (p.Pro4Leu). The proline residue is weakly conserved and there is a moderate physicochemical difference between proline and leucine. The frequency data for this variant in the population databases is considered unreliable, as metrics indicate insufficient coverage at this position in the ExAC database. This variant has not been reported in the literature in individuals affected with TMC8-related conditions. Algorithms developed to predict the effect of missense changes on protein structure and function output the following: SIFT: "Tolerated"; PolyPhen-2: "Benign"; Align-GVGD: "Class C0". The leucine amino acid residue is found in multiple mammalian species, which suggests that this missense change does not adversely affect protein function. In summary, the available evidence is currently insufficient to determine the role of this variant in disease. Therefore, it has been classified as a Variant of Uncertain Significance.